The following is an entry in ClinVar:

ClinVar aggregate classification (germline): Uncertain significance (1 of 4 stars; one submission).

Submission:

GeneDx
Classification: Uncertain significance. Last evaluated: 2019-05-29. Review status: criteria provided, single submitter. Criteria: GeneDx Variant Classification Process June 2021. Collection method: clinical testing. Allele origin: germline. Affected: yes.
Comment: Not observed in large population cohorts (Lek et al., 2016); In silico analysis, which includes protein predictors and evolutionary conservation, supports a deleterious effect; Has not been previously published as pathogenic or benign to our knowledge

NM_000217.3(KCNA1):c.137T>C (p.Leu46Pro)

Gene: KCNA1 (potassium voltage-gated channel subfamily A member 1; plus strand). Cytogenetic location: 12p13.32.
Variant type: single nucleotide variant.
Coding change: c.137T>C on transcript NM_000217.3 (MANE Select); coding-DNA position 137, T replaced by C.
Protein change: p.Leu46Pro; replaces leucine 46 with proline.
Molecular consequence: missense variant.
Genome position (GRCh38, 1-based): chr12:4,911,515, T>C. VCF-style: chr12-4911515-T-C. GRCh37 (hg19) VCF-style: chr12-5020681-T-C.
Other names: short protein forms L46P.
Identifiers: ClinVar variation 1191407 (VCV001191407.2), dbSNP rs2137672826, ClinGen allele CA383453880.